The following is an entry in ClinVar:

ClinVar aggregate classification (germline): Benign/Likely benign. Review status: criteria provided, multiple submitters, no conflicts (2 of 4 stars). 2 submissions from 2 submitters: Benign (1); Likely benign (1). Last evaluated 2023-05-01.

Allele frequency attached by ClinVar (database versions not stated): 1000 Genomes Project 30x 0.00109; 1000 Genomes Project 0.00140; gnomAD 0.00318 and 0.00327; TOPMed 0.00351; gnomAD exomes 0.00352; ESP Exome Variant Server 0.00539; ExAC 0.00787.
gnomAD v4.1: 7,847 of 1,596,874 alleles (0.49%); highest among the groups gnomAD compares: Non-Finnish European, 0.6%; 29 homozygotes.

Submissions (2):

CeGaT Center for Human Genetics Tuebingen
Classification: Likely benign. Last evaluated: 2023-05-01. Review status: criteria provided, single submitter. Criteria: CeGaT Center For Human Genetics Tuebingen Variant Classification Criteria Version 2. Collection method: clinical testing. Allele origin: germline. Affected: yes. Observed: 1 variant allele.
Comment: MGAT1: BP4, BP7

Labcorp Genetics (formerly Invitae), Labcorp
Classification: Benign. Last evaluated: 2018-07-21. Review status: criteria provided, single submitter. Criteria: Invitae Variant Classification Sherloc (09022015). Collection method: clinical testing. Allele origin: germline.

NM_002406.4(MGAT1):c.90G>A (p.Thr30=)

Gene: MGAT1 (alpha-1,3-mannosyl-glycoprotein 2-beta-N-acetylglucosaminyltransferase; minus strand). Cytogenetic location: 5q35.3.
Variant type: single nucleotide variant.
Coding change: c.90G>A on transcript NM_002406.4 (MANE Select); coding-DNA position 90, G replaced by A.
Protein change: p.Thr30=; no amino-acid change (threonine 30 retained).
Molecular consequence: synonymous variant.
Genome position (GRCh38, 1-based): chr5:180,792,882, C>T on the plus strand (G>A on the coding strand, the complement: MGAT1 is on the minus strand). VCF-style: chr5-180792882-C-T. GRCh37 (hg19) VCF-style: chr5-180219882-C-T.
Other names: c.90G>A, p.Thr30= (NM_001114617.2, NM_001114618.1, NM_001114619.1 and 19 more transcripts).
Identifiers: ClinVar variation 773325 (VCV000773325.27), dbSNP rs72549457, ClinGen allele CA3607762.